The following is an entry in ClinVar:

ClinVar aggregate classification (germline): Benign. Review status: criteria provided, multiple submitters, no conflicts (2 of 4 stars). 10 submissions from 10 submitters: Benign (8). 2 of the submissions do not count toward it. Last evaluated 2026-02-02.

Conditions:
Familial thoracic aortic aneurysm and aortic dissection (TAAD). Also called: Thoracic aortic aneurysms and dissections. Identifiers: Orphanet 91387, MedGen C4707243, MONDO:0019625.
Multiple self-healing squamous epithelioma (MSSE). Also called: MULTIPLE SELF-HEALING SQUAMOUS EPITHELIOMA, SUSCEPTIBILITY TO. Identifiers: Orphanet 65748, MedGen C0546476, MONDO:0007566, OMIM 132800.
Loeys-Dietz syndrome 1 (LDS1). Also called: TGFBR1-Related Loeys-Dietz Syndrome; AORTIC ANEURYSM, FAMILIAL THORACIC 5; FURLONG SYNDROME. Identifiers: Orphanet 60030, MedGen C4551955, MONDO:0012212, OMIM 609192.

Allele frequency attached by ClinVar (database versions not stated): gnomAD exomes 0.21008 and 0.22051; ESP Exome Variant Server 0.21775; ExAC 0.21937; gnomAD 0.22164 and 0.22456; TOPMed 0.23039; 1000 Genomes Project 30x 0.25921; 1000 Genomes Project 0.26997.
gnomAD v4.1: 341,570 of 1,613,174 alleles (21%); highest among the groups gnomAD compares: East Asian, 47%; 38,438 homozygotes.

Submissions (10):

Labcorp Genetics (formerly Invitae), Labcorp
Classification: Benign for Familial thoracic aortic aneurysm and aortic dissection. Last evaluated: 2026-02-02. Review status: criteria provided, single submitter. Criteria: Invitae Variant Classification Sherloc (09022015). Collection method: clinical testing. Allele origin: germline.

Unidad de Genómica Garrahan, Hospital de Pediatría Garrahan
Classification: Benign. Last evaluated: 2024-01-24. Review status: criteria provided, single submitter. Criteria: ACMG Guidelines, 2015. Collection method: clinical testing. Allele origin: germline. Affected: no. Observed: 34 variant alleles.
Comment: This variant is classified as Benign based on local population frequency. This variant was detected in 39% of patients studied by a panel of primary immunodeficiencies. Number of patients: 34. Only high quality variants are reported.

KCCC/NGS Laboratory, Kuwait Cancer Control Center
Classification: Benign for Multiple self-healing squamous epithelioma. Last evaluated: 2023-07-07. Review status: criteria provided, single submitter. Criteria: ACMG Guidelines, 2015. Collection method: clinical testing. Allele origin: germline. Affected: yes.

Genome-Nilou Lab
Classification: Benign for Loeys-Dietz syndrome 1. Last evaluated: 2021-09-10. Review status: criteria provided, single submitter. Criteria: ACMG Guidelines, 2015. Collection method: clinical testing. Allele origin: germline. Affected: no.

ARUP Laboratories, Molecular Genetics and Genomics, ARUP Laboratories
Classification: Benign. Last evaluated: 2020-03-30. Review status: criteria provided, single submitter. Criteria: ARUP Molecular Germline Variant Investigation Process. Collection method: clinical testing. Allele origin: germline.

GeneDx
Classification: Benign. Last evaluated: 2018-06-26. Review status: criteria provided, single submitter. Criteria: GeneDx Variant Classification Process June 2021. Collection method: clinical testing. Allele origin: germline. Affected: yes.
Comment: This variant is associated with the following publications: (PMID: 15382067, 22905183, 20354825, 16428477)

Breakthrough Genomics
Classification: Benign. Review status: criteria provided, single submitter. Criteria: ACMG Guidelines, 2015. Collection method: not provided. Allele origin: germline. Inheritance: Autosomal dominant inheritance. Affected: yes.

PreventionGenetics, part of Exact Sciences
Classification: Benign. Review status: criteria provided, single submitter. Criteria: ACMG Guidelines, 2015. Collection method: clinical testing. Allele origin: germline.

Clinical Genetics DNA and cytogenetics Diagnostics Lab, Erasmus MC, Erasmus Medical Center
Classification: Benign. Review status: no assertion criteria provided. Collection method: clinical testing. Allele origin: germline. Affected: yes. Study: VKGL Data-share Consensus. Not counted in ClinVar's aggregate classification.

Genome Diagnostics Laboratory, Amsterdam University Medical Center
Classification: Benign. Review status: no assertion criteria provided. Collection method: clinical testing. Allele origin: germline. Affected: yes. Study: VKGL Data-share Consensus. Not counted in ClinVar's aggregate classification.

NM_004612.4(TGFBR1):c.1255+24G>A

Gene: TGFBR1 (transforming growth factor beta receptor 1; plus strand). Cytogenetic location: 9q22.33.
Variant type: single nucleotide variant.
Coding change: c.1255+24G>A on transcript NM_004612.4 (MANE Select); 24 bases into the intron after coding-DNA position 1255, G replaced by A.
Molecular consequence: intron variant.
Genome position (GRCh38, 1-based): chr9:99,146,633, G>A. VCF-style: chr9-99146633-G-A. GRCh37 (hg19) VCF-style: chr9-101908915-G-A.
Other names: c.1255+24G>A (NM_004612.3); c.1267+24G>A (NM_001306210.2); c.1024+24G>A (NM_001130916.3).
Identifiers: ClinVar variation 259451 (VCV000259451.31), dbSNP rs334354, ClinGen allele CA040052.